The following is an entry in ClinVar:

ClinVar aggregate classification (germline): Conflicting classifications of pathogenicity. Review status: criteria provided, conflicting classifications (1 of 4 stars). 4 submissions from 4 submitters: Uncertain significance (3); Benign (1). Last evaluated 2026-06-04.

Conditions:
Occult macular dystrophy (OCMD). Also called: OMD; OCCULT MACULAR DYSTROPHY, SUSCEPTIBILITY TO. Identifiers: Orphanet 247834, MedGen C3150833, MONDO:0013316, OMIM 613587, HP:0030636.
RP1L1-related disorder. Also called: RP1L1-related condition.

Allele frequency attached by ClinVar (database versions not stated): ExAC 0.00031; gnomAD exomes 0.00035; 1000 Genomes Project 0.00040; ESP Exome Variant Server 0.00040; gnomAD 0.00043; 1000 Genomes Project 30x 0.00047; TOPMed 0.00053.
gnomAD v4.1: 1,123 of 1,614,170 alleles (0.07%); highest among the groups gnomAD compares: Non-Finnish European, 0.089%; no homozygotes.

Submissions (4):

PreventionGenetics, part of Exact Sciences
Classification: Uncertain significance for RP1L1-related condition. Last evaluated: 2026-06-04. Review status: criteria provided, single submitter. Criteria: ACMG Guidelines, 2015. Collection method: clinical testing. Allele origin: germline.
Comment: The RP1L1 c.190C>T variant is predicted to result in the amino acid substitution p.Leu64Phe. This variant was reported in an individual with retinal or optic nerve disease (supplementary data, Diñeiro et al. 2020. PubMed ID: 32483926). However, this variant is reported in 0.063% of alleles in individuals of European (Non-Finnish) descent in gnomAD, which may be too frequent to be a primary cause of disease. Although we suspect that this variant may be benign, at this time, the clinical significance of this variant is uncertain due to the absence of conclusive functional and genetic evidence.

Labcorp Genetics (formerly Invitae), Labcorp
Classification: Uncertain significance. Last evaluated: 2026-01-22. Review status: criteria provided, single submitter. Criteria: Invitae Variant Classification Sherloc (09022015). Collection method: clinical testing. Allele origin: germline.
Comment: This sequence change replaces leucine, which is neutral and non-polar, with phenylalanine, which is neutral and non-polar, at codon 64 of the RP1L1 protein (p.Leu64Phe). This variant is present in population databases (rs202081611, gnomAD 0.06%). This variant has not been reported in the literature in individuals affected with RP1L1-related conditions. ClinVar contains an entry for this variant (Variation ID: 909665). Invitae Evidence Modeling of protein sequence and biophysical properties (such as structural, functional, and spatial information, amino acid conservation, physicochemical variation, residue mobility, and thermodynamic stability) has been performed for this missense variant. However, the output from this modeling did not meet the statistical confidence thresholds required to predict the impact of this variant on RP1L1 protein function. In summary, the available evidence is currently insufficient to determine the role of this variant in disease. Therefore, it has been classified as a Variant of Uncertain Significance.

Blueprint Genetics
Classification: Uncertain significance. Last evaluated: 2024-11-14. Review status: criteria provided, single submitter. Criteria: ACMG Guidelines, 2015. Collection method: clinical testing. Allele origin: germline.

Illumina Laboratory Services, Illumina
Classification: Benign for Occult macular dystrophy. Last evaluated: 2018-01-12. Review status: criteria provided, single submitter. Criteria: ICSL Variant Classification Criteria 13 December 2019. Collection method: clinical testing. Allele origin: germline.
Comment: This variant was observed in the ICSL laboratory as part of a predisposition screen in an ostensibly healthy population. It had not been previously curated by ICSL or reported in the Human Gene Mutation Database (HGMD: prior to June 1st, 2018), and was therefore a candidate for classification through an automated scoring system. Utilizing variant allele frequency, disease prevalence and penetrance estimates, and inheritance mode, an automated score was calculated to assess if this variant is too frequent to cause the disease. Based on the score and internal cut-off values, a variant classified as benign is not then subjected to further curation. The score for this variant resulted in a classification of benign for this disease.

NM_178857.6(RP1L1):c.190C>T (p.Leu64Phe)

Gene: RP1L1 (RP1 like 1). Cytogenetic location: 8p23.1.
Variant type: single nucleotide variant.
Coding change: c.190C>T on transcript NM_178857.6 (MANE Select); coding-DNA position 190, C replaced by T.
Protein change: p.Leu64Phe; replaces leucine 64 with phenylalanine.
Molecular consequence: missense variant.
Genome position (GRCh38, 1-based): chr8:10,623,012, G>A on the plus strand (C>T on the coding strand, the complement: RP1L1 is on the minus strand). VCF-style: chr8-10623012-G-A. GRCh37 (hg19) VCF-style: chr8-10480522-G-A.
Other names: short protein forms L64F.
Identifiers: ClinVar variation 909665 (VCV000909665.12), dbSNP rs202081611, ClinGen allele CA4625834.